The following is an entry in ClinVar:

NM_001387430.1(SH2B1):c.2073GCTGGTCCCCGTGGTTGA[4] (p.Leu704_Glu705insValProValValGluLeuValProValValGluLeu)

Gene: SH2B1 (SH2B adaptor protein 1; plus strand). Cytogenetic location: 16p11.2.
Variant type: Microsatellite.
Coding change: c.2073GCTGGTCCCCGTGGTTGA[4] on transcript NM_001387430.1 (MANE Select); four copies in a row of the 18-base unit GCTGGTCCCCGTGGTTGA starting at c.2073; the reference has two copies in a row; two copies, 36 bases duplicated.
Protein change: p.Leu704_Glu705insValProValValGluLeuValProValValGluLeu.
Molecular consequence: inframe insertion. On other transcripts: 3 prime UTR variant (5).
Genome position (GRCh38, 1-based): chr16:28,873,622-28,873,657, 36 bases duplicated; duplicating any 36 consecutive bases within chr16:28,873,620-28,873,657 gives the same sequence; the position shown is the placement nearest the transcript's 3' end. GRCh37 (hg19), VCF-style position (the base before the change): chr16:28,884,940.
Other names: c.2073GCTGGTCCCCGTGGTTGA[4], p.Leu704_Glu705insValProValValGluLeuValProValValGluLeu (NM_001145795.2, NM_001308293.2, NM_001387404.1); c.*157GCTGGTCCCCGTGGTTGA[4] (NM_001145796.2, NM_001145812.2, NM_001308294.2 and 1 more transcripts); c.*174GCTGGTCCCCGTGGTTGA[4] (NM_001145797.2).
Identifiers: ClinVar variation 2428784 (VCV002428784.3), dbSNP rs775851341, ClinGen allele CA2580613450.

ClinVar aggregate classification (germline): Uncertain significance (1 of 4 stars; one submission).

Submission:

GeneDx
Classification: Uncertain significance. Last evaluated: 2022-08-02. Review status: criteria provided, single submitter. Criteria: GeneDx Variant Classification Process June 2021. Collection method: clinical testing. Allele origin: germline. Affected: yes.
Comment: Not observed at significant frequency in large population cohorts (gnomAD); In-frame duplication of 12 amino acids in a non-repeat region; Has not been previously published as pathogenic or benign to our knowledge